The following is an entry in ClinVar:

NM_001378120.1(MBD5):c.3837_3839del (p.Thr1281del)

Gene: MBD5 (methyl-CpG binding domain protein 5; plus strand). Cytogenetic location: 2q23.1.
Variant type: Deletion.
Coding change: c.3837_3839del on transcript NM_001378120.1 (MANE Select); coding-DNA positions 3837 to 3839, 3 bases deleted (CAC; older notation c.3837_3839delCAC).
Protein change: p.Thr1281del; deletes threonine 1281.
Molecular consequence: inframe deletion.
Genome position (GRCh38, 1-based): chr2:148,489,469-148,489,471, CAC deleted. VCF-style (leftmost placement, unchanged base first): chr2-148489468-ACAC-A. GRCh37 (hg19) VCF-style: chr2-149247037-ACAC-A.
Other names: c.3837_3839del, p.Thr1281del (NM_001438854.1, NM_001438856.1, NM_001438857.1 and 1 more transcripts); c.3138_3140del, p.Thr1048del (NM_001438855.1, NM_001438859.1, NM_001438860.1 and 3 more transcripts); short protein forms T1281del, T1048del.
Identifiers: ClinVar variation 5008463 (VCV005008463.1).
Genomic context (GRCh38, chr2:148,489,468, plus strand): 5'-CTCTCCTAAACAAAAGAATAAGCACTCAGCCTGGGCTCACAGCACTTCCTGAGAATCCAA[ACAC>A]TACACTTCCACCTTTTCAAGATACACCTTGTGAGTTGCAACCGAGGATTGACCCATCTCT-3'

ClinVar aggregate classification (germline): Uncertain significance (1 of 4 stars; one submission).

Submission:

GeneDx
Classification: Uncertain significance. Last evaluated: 2026-03-05. Review status: criteria provided, single submitter. Criteria: GeneDx Variant Classification Process June 2021. Collection method: clinical testing. Allele origin: germline.
Comment: Not observed at significant frequency in large population cohorts (gnomAD); In-frame deletion of 1 amino acid(s) in a non-repeat region; In silico analysis suggests that this variant does not alter protein structure/function; Has not been previously published as pathogenic or benign to our knowledge